The following is an entry in ClinVar:

NM_177402.5(SYT2):c.158A>G (p.Asn53Ser)

Gene: SYT2 (synaptotagmin 2; minus strand). Cytogenetic location: 1q32.1.
Variant type: single nucleotide variant.
Coding change: c.158A>G on transcript NM_177402.5 (MANE Select); coding-DNA position 158, A replaced by G.
Protein change: p.Asn53Ser; replaces asparagine 53 with serine.
Molecular consequence: missense variant.
Genome position (GRCh38, 1-based): chr1:202,605,615, T>C on the plus strand (A>G on the coding strand, the complement: SYT2 is on the minus strand). VCF-style: chr1-202605615-T-C. GRCh37 (hg19) VCF-style: chr1-202574743-T-C.
Other names: c.158A>G, p.Asn53Ser (NM_001136504.1); short protein forms N53S.
Identifiers: ClinVar variation 1364252 (VCV001364252.6), dbSNP rs191979877, ClinGen allele CA1333858.

ClinVar aggregate classification (germline): Uncertain significance (1 of 4 stars; one submission).

Allele frequency attached by ClinVar (database versions not stated): gnomAD exomes below 0.00001; TOPMed below 0.00001; ExAC 0.00001; gnomAD 0.00001; 1000 Genomes Project 0.00020; 1000 Genomes Project 30x 0.00031.

Submission:

Labcorp Genetics (formerly Invitae), Labcorp
Classification: Uncertain significance. Last evaluated: 2021-09-15. Review status: criteria provided, single submitter. Criteria: Invitae Variant Classification Sherloc (09022015). Collection method: clinical testing. Allele origin: germline.
Comment: In summary, the available evidence is currently insufficient to determine the role of this variant in disease. Therefore, it has been classified as a Variant of Uncertain Significance. Algorithms developed to predict the effect of sequence changes on RNA splicing suggest that this variant may create or strengthen a splice site. Algorithms developed to predict the effect of missense changes on protein structure and function (SIFT, PolyPhen-2, Align-GVGD) all suggest that this variant is likely to be tolerated. This variant has not been reported in the literature in individuals affected with SYT2-related conditions. This variant is present in population databases (rs191979877, ExAC 0.009%). This sequence change replaces asparagine with serine at codon 53 of the SYT2 protein (p.Asn53Ser). The asparagine residue is moderately conserved and there is a small physicochemical difference between asparagine and serine.